The following is an entry in ClinVar:

NM_002546.4(TNFRSF11B):c.310G>A (p.Val104Met)

Gene: TNFRSF11B (TNF receptor superfamily member 11b; minus strand). Cytogenetic location: 8q24.12.
Variant type: single nucleotide variant.
Coding change: c.310G>A on transcript NM_002546.4 (MANE Select); coding-DNA position 310, G replaced by A.
Protein change: p.Val104Met; replaces valine 104 with methionine.
Molecular consequence: missense variant.
Genome position (GRCh38, 1-based): chr8:118,933,021, C>T on the plus strand (G>A on the coding strand, the complement: TNFRSF11B is on the minus strand). VCF-style: chr8-118933021-C-T. GRCh37 (hg19) VCF-style: chr8-119945260-C-T.
Other names: short protein forms V104M.
Identifiers: ClinVar variation 794144 (VCV000794144.14), dbSNP rs11573906, ClinGen allele CA4854950.
Genomic context (GRCh38, chr8:118,933,021, plus strand): 5'-AGCTCCTATGTTTCAAGCAGAACTCTATCTCAAGGTAGCGCCCTTCCTTGCATTCGCACA[C>T]GCGGTTGTGGGTGCGATTGCACTCCTGCTTGACGTACTGCAGCTCCTTGCACACGGGGCT-3'
Protein context (NP_002537.3, residues 94-114): KQECNRTHNR[Val104Met]CECKEGRYLE

ClinVar aggregate classification (germline): Benign. Review status: criteria provided, multiple submitters, no conflicts (2 of 4 stars). 3 submissions from 3 submitters: Benign (2). 1 of the submissions does not count toward it. Last evaluated 2025-12-10.

Conditions:
Hyperphosphatasemia with bone disease (PDB5). Also called: PAGET DISEASE OF BONE 5, JUVENILE-ONSET; HYPEROSTOSIS CORTICALIS DEFORMANS JUVENILIS; HYPERPHOSPHATASEMIA, CHRONIC CONGENITAL IDIOPATHIC; HYPERPHOSPHATASIA, FAMILIAL IDIOPATHIC; Paget disease of bone 5; Osteoectasia familial. Identifiers: Orphanet 2801, MedGen C0268414, MONDO:0009394, OMIM 239000.
TNFRSF11B-related disorder. Also called: TNFRSF11B-related condition.

Allele frequency attached by ClinVar (database versions not stated): gnomAD 0.00021 and 0.00031; gnomAD exomes 0.00026 and 0.00083; TOPMed 0.00039; ExAC 0.00084; 1000 Genomes Project 30x 0.00187; 1000 Genomes Project 0.00200.
gnomAD v4.1: 417 of 1,614,166 alleles (0.026%); highest among the groups gnomAD compares: East Asian, 0.87%; 3 homozygotes.

Submissions (3):

Labcorp Genetics (formerly Invitae), Labcorp
Classification: Benign. Last evaluated: 2025-12-10. Review status: criteria provided, single submitter. Criteria: Invitae Variant Classification Sherloc (09022015). Collection method: clinical testing. Allele origin: germline.

Illumina Laboratory Services, Illumina
Classification: Benign for Hyperphosphatasemia with bone disease. Last evaluated: 2017-04-27. Review status: criteria provided, single submitter. Criteria: ICSL Variant Classification Criteria 13 December 2019. Collection method: clinical testing. Allele origin: germline.
Comment: This variant was observed as part of a predisposition screen in an ostensibly healthy population. A literature search was performed for the gene, cDNA change, and amino acid change (where applicable). Publications were found based on this search. The evidence from the literature, in combination with allele frequency data from public databases where available, was sufficient to rule this variant out of causing disease. Therefore, this variant is classified as benign.

PreventionGenetics, part of Exact Sciences
Classification: Benign for TNFRSF11B-related condition. Last evaluated: 2019-04-29. Review status: no assertion criteria provided. Collection method: clinical testing. Allele origin: germline. Not counted in ClinVar's aggregate classification.
Comment: This variant is classified as benign based on ACMG/AMP sequence variant interpretation guidelines (Richards et al. 2015 PMID: 25741868, with internal and published modifications).

Literature cited by the submitters: PubMed 19436932 (cited by Illumina Laboratory Services, Illumina); PubMed 23837846 (cited by Illumina Laboratory Services, Illumina).